The following is an entry in ClinVar:

NM_002948.5(RPL15):c.553G>A (p.Gly185Ser)

Genes: NKIRAS1 (NFKB inhibitor interacting Ras like 1; minus strand), RPL15 (ribosomal protein L15; plus strand). Cytogenetic location: 3p24.2.
Variant type: single nucleotide variant.
Coding change: c.553G>A on transcript NM_002948.5 (MANE Select); coding-DNA position 553, G replaced by A.
Protein change: p.Gly185Ser; replaces glycine 185 with serine.
Molecular consequence: missense variant. On other transcripts: intron variant (2).
Genome position (GRCh38, 1-based): chr3:23,919,439, G>A. VCF-style: chr3-23919439-G-A. GRCh37 (hg19) VCF-style: chr3-23960930-G-A.
Other names: c.553G>A, p.Gly185Ser (NM_001253379.2, NM_001253380.2, NM_001253382.2 and 1 more transcripts); c.-139-7989C>T (NM_001377380.1); c.360+193G>A (NM_001253384.2); short protein forms G185S.
Identifiers: ClinVar variation 3377047 (VCV003377047.1).

ClinVar aggregate classification (germline): Uncertain significance (1 of 4 stars; one submission).

Conditions:
Diamond-Blackfan anemia 12 (DBA12). Also called: RPL15-Related Diamond-Blackfan Anemia. Identifiers: Orphanet 124, MedGen C3809888, MONDO:0014245, OMIM 615550.

Submission:

Victorian Clinical Genetics Services, Murdoch Childrens Research Institute
Classification: Uncertain significance for Diamond-Blackfan anemia 12. Last evaluated: 2024-10-11. Review status: criteria provided, single submitter. Criteria: ACMG Guidelines, 2015. Collection method: clinical testing. Allele origin: germline. Inheritance: Autosomal dominant inheritance. Affected: yes.
Comment: Based on the classification scheme VCGS_Germline_v1.3.5, this variant is classified as VUS-3B. Following criteria are met: 0102 - Loss of function is a known mechanism of disease in this gene and is associated with Diamond-Blackfan anaemia 12 (MIM#615550). Loss of function has been established for premature termination codon variants, however the mechanism for missense variants is unclear (PMID: 29599205). (I) 0107 - This gene is associated with autosomal dominant disease. (I) 0200 - Variant is predicted to result in a missense amino acid change from glycine to serine. (I) 0251 - This variant is heterozygous. (I) 0301 - Variant is absent from gnomAD (v2, v3 and v4). (SP) 0309 - An alternative amino acid change at the same position has been observed in gnomAD (v4) (1 heterozygote, 0 homozygotes). (I) 0501 - Missense variant consistently predicted to be damaging by multiple in silico tools or highly conserved with a major amino acid change. (SP) 0600 - Variant is located in the annotated ribosomal L15 domain (DECIPHER). (I) 0705 - No comparable missense variants have previous evidence for pathogenicity. (I) 0807 - This variant has no previous evidence of pathogenicity. (I) 0905 - No published segregation evidence has been identified for this variant. (I) 1007 - No published functional evidence has been identified for this variant. (I) Legend: (SP) - Supporting pathogenic, (I) - Information, (SB) - Supporting benign

Literature cited by the submitters: PubMed 29599205.